The following is an entry in ClinVar:

ClinVar aggregate classification (germline): Uncertain significance. Review status: criteria provided, single submitter (1 of 4 stars). 2 submissions from 2 submitters: Uncertain significance (1). 1 of the submissions does not count toward it. Last evaluated 2025-02-03.

Conditions:
PLXNA3-related disorder. Also called: PLXNA3-related condition.

gnomAD v4.1: 10 of 1,202,173 alleles (0.00083%); highest among the groups gnomAD compares: African/African-American, 0.007%; no homozygotes.

Submissions (2):

Ambry Genetics
Classification: Uncertain significance. Last evaluated: 2025-02-03. Review status: criteria provided, single submitter. Criteria: Ambry Variant Classification Scheme 2023. Collection method: clinical testing. Allele origin: germline.

PreventionGenetics, part of Exact Sciences
Classification: Uncertain significance for PLXNA3-related condition. Last evaluated: 2024-02-21. Review status: no assertion criteria provided. Collection method: clinical testing. Allele origin: germline. Not counted in ClinVar's aggregate classification.
Comment: The PLXNA3 c.253G>A variant is predicted to result in the amino acid substitution p.Val85Met. To our knowledge, this variant has not been reported in the literature. This variant is reported in 0.0038% of alleles in individuals of Latino descent in gnomAD, including one hemizygote. At this time, the clinical significance of this variant is uncertain due to the absence of conclusive functional and genetic evidence.

NM_017514.5(PLXNA3):c.253G>A (p.Val85Met)

Gene: PLXNA3 (plexin A3; plus strand). Cytogenetic location: Xq28.
Variant type: single nucleotide variant.
Coding change: c.253G>A on transcript NM_017514.5 (MANE Select); coding-DNA position 253, G replaced by A.
Protein change: p.Val85Met; replaces valine 85 with methionine.
Molecular consequence: missense variant.
Genome position (GRCh38, 1-based): chrX:154,460,436, G>A. VCF-style: chrX-154460436-G-A. GRCh37 (hg19) VCF-style: chrX-153688776-G-A.
Other names: c.253G>A (NM_017514.3); short protein forms V85M.
Identifiers: ClinVar variation 3356568 (VCV003356568.2).